The following is an entry in ClinVar:

ClinVar aggregate classification (germline): Pathogenic. Review status: criteria provided, multiple submitters, no conflicts (2 of 4 stars). 11 submissions from 11 submitters: Pathogenic (9). 2 of the submissions do not count toward it. Last evaluated 2025-10-12.

Conditions:
Autosomal recessive limb-girdle muscular dystrophy type 2O. Also called: MUSCULAR DYSTROPHY-DYSTROGLYCANOPATHY (LIMB-GIRDLE), TYPE C, 3; MUSCULAR DYSTROPHY-DYSTROGLYCANOPATHY, LIMB-GIRDLE, POMGNT1-RELATED; Limb-Girdle Muscular Dystrophy Type 3C. Identifiers: Orphanet 206564, MedGen C3150417, MONDO:0013161, OMIM 613157.
Muscular dystrophy-dystroglycanopathy (congenital with impaired intellectual development), type B, 3. Also called: Muscular dystrophy-dystroglycanopathy (congenital with intellectual disability), type B3; MUSCULAR DYSTROPHY, CONGENITAL, POMGNT1-RELATED. Identifiers: MedGen C3150412, MONDO:0013155, OMIM 613151.
Retinitis pigmentosa 76 (RP76). Identifiers: MedGen C4310704, MONDO:0014929, OMIM 617123.
Muscular dystrophy-dystroglycanopathy (congenital with brain and eye anomalies), type A3. Also called: Muscular dystrophy-dystroglycanopathy (congenital with brain and eye anomalies), type A, 3; Congenital muscular dystrophy-dystroglycanopathy with brain and eye anomalies, type A3; WALKER-WARBURG SYNDROME OR MUSCLE-EYE-BRAIN DISEASE, POMGNT1-RELATED. Identifiers: MedGen C3151519, MONDO:0009667, OMIM 253280.
Muscular dystrophy-dystroglycanopathy. Also called: Congenital muscular dystrophy due to dystroglycanopathy. Identifiers: Orphanet 370953, MedGen C5679911, MONDO:0018276.
POMGNT1-related disorder. Also called: POMGNT1-related condition; POMGNT1-related disorders. Identifiers: MedGen CN239299.
Muscle eye brain disease (MEB). Also called: Santavuori congenital muscular dystrophy. Identifiers: Orphanet 588, Orphanet 899, MedGen C0457133, MONDO:0018939.

Allele frequency attached by ClinVar (database versions not stated): TOPMed 0.00002; gnomAD 0.00003.
gnomAD v4.1: 7 of 1,613,762 alleles (0.00043%); highest among the groups gnomAD compares: Non-Finnish European, 0.00051%; no homozygotes.

Submissions (11):

Natera, Inc.
Classification: Pathogenic for Muscle-eye-brain disease. Last evaluated: 2025-10-12. Review status: criteria provided, single submitter. Criteria: Natera Variant Classification Schema (03/2026). Collection method: clinical testing. Allele origin: germline.
Comment: The c.1769G>A variant in POMGNT1 is a nonsense variant predicted to introduce a stop codon at amino acid 590. This variant is expected to result in nonsense mediated decay, truncation, or a dysfunctional protein product. This variant is rare in the general population with a frequency below the threshold expected for the associated phenotype(s). This variant has been observed in one or more individuals affected with the associated recessive disease, as either homozygous or compound heterozygous with a second variant (PMID: 15466003). Additionally, this variant has been observed to segregate in affected family members (PMID: 15466003). Given the available evidence, this variant is classified as Pathogenic.

Revvity Omics, Revvity
Classification: Pathogenic. Last evaluated: 2025-05-20. Review status: criteria provided, single submitter. Criteria: ACMG Guidelines, 2015. Collection method: clinical testing. Allele origin: germline.

GeneDx
Classification: Pathogenic. Last evaluated: 2025-05-12. Review status: criteria provided, single submitter. Criteria: GeneDx Variant Classification Process June 2021. Collection method: clinical testing. Allele origin: germline. Affected: yes.
Comment: Nonsense variant predicted to result in protein truncation or nonsense mediated decay in a gene for which loss of function is a known mechanism of disease; Not observed at significant frequency in large population cohorts (gnomAD); This variant is associated with the following publications: (PMID: 34758253, 21361872, 15466003, 31964843, 25525159)

Labcorp Genetics (formerly Invitae), Labcorp
Classification: Pathogenic for Autosomal recessive limb-girdle muscular dystrophy type 2O; Muscular dystrophy-dystroglycanopathy (congenital with impaired intellectual development), type B, 3. Last evaluated: 2025-01-13. Review status: criteria provided, single submitter. Criteria: Invitae Variant Classification Sherloc (09022015). Collection method: clinical testing. Allele origin: germline.
Comment: This sequence change creates a premature translational stop signal (p.Trp590*) in the POMGNT1 gene. It is expected to result in an absent or disrupted protein product. Loss-of-function variants in POMGNT1 are known to be pathogenic (PMID: 19299310, 20816175, 21447391, 26908613, 27391550). This variant is present in population databases (rs386834019, gnomAD 0.002%). This premature translational stop signal has been observed in individual(s) with muscle-eye-brain (MEB) disease (PMID: 15466003, 21361872). ClinVar contains an entry for this variant (Variation ID: 56587). Algorithms developed to predict the effect of sequence changes on RNA splicing suggest that this variant may disrupt the consensus splice site. For these reasons, this variant has been classified as Pathogenic.

Baylor Genetics
Classification: Pathogenic for Muscular dystrophy-dystroglycanopathy (congenital with brain and eye anomalies), type A3. Last evaluated: 2024-03-14. Review status: criteria provided, single submitter. Criteria: ACMG Guidelines, 2015. Collection method: clinical testing. Allele origin: unknown.

Broad Center for Mendelian Genomics, Broad Institute of MIT and Harvard
Classification: Pathogenic for Muscular dystrophy-dystroglycanopathy. Last evaluated: 2023-01-24. Review status: criteria provided, single submitter. Criteria: ACMG Guidelines, 2015. Collection method: curation. Allele origin: germline. Inheritance: Autosomal recessive inheritance.
Comment: The p.Trp590Ter variant in POMGNT1 has been reported in one individual with muscular dystrophy-dystroglycanopathy (PMID: 15466003), and has been identified in 0.002% (2/128260) of European (non-Finnish) chromosomes by the Genome Aggregation Database (gnomAD; dbSNP ID: rs386834019). Although this variant has been seen in the general population in a heterozygous state, its frequency is low enough to be consistent with a recessive carrier frequency. This variant has also been reported in ClinVar (Variation ID#:56587) and has been interpreted as pathogenic by Invitae, Genomics England, and Natera, Inc, probable-pathogenic by the Juha Muilu Group; Institute for Molecular Medicine Finland (FIMM) and likely pathogenic by Counsyl. In vitro functional studies provide some evidence that the p.Arg590Ter variant may impact protein function, as reflected by reduced catalytic activity in an in vitro enzymatic activity assay (PMID: 21361872). However, these types of assays may not accurately represent biological function. This nonsense variant leads to a premature termination codon at position 590, which is predicted to lead to a truncated or absent protein. Loss of function of the POMGNT1 gene is an established disease mechanism in autosomal recessive POMGNT1-associated muscular dystrophy-dystroglycanopathy. In summary, this variant meets criteria to be classified as pathogenic for POMGNT1-associated muscular dystrophy-dystroglycanopathy. ACMG/AMP Criteria applied: PVS1, PM2_supporting, PS3_Supporting (Richards 2015).

Blueprint Genetics
Classification: Pathogenic for POMGNT1-related disorders. Last evaluated: 2022-10-26. Review status: criteria provided, single submitter. Criteria: ACMG Guidelines, 2015. Collection method: clinical testing. Allele origin: germline. Affected: yes. Observed: 1 variant allele.

Fulgent Genetics
Classification: Pathogenic for Muscular dystrophy-dystroglycanopathy (congenital with brain and eye anomalies), type A3; Muscular dystrophy-dystroglycanopathy (congenital with impaired intellectual development), type B, 3; Autosomal recessive limb-girdle muscular dystrophy type 2O; Retinitis pigmentosa 76. Last evaluated: 2022-02-14. Review status: criteria provided, single submitter. Criteria: ACMG Guidelines, 2015. Collection method: clinical testing. Allele origin: unknown.

Genomics England Pilot Project, Genomics England
Classification: Pathogenic for Retinitis pigmentosa 76. Review status: criteria provided, single submitter. Criteria: ACGS Guidelines, 2016. Collection method: clinical testing. Allele origin: germline. Affected: yes.

Counsyl
Classification: Likely pathogenic for Muscle eye brain disease. Last evaluated: 2015-01-28. Review status: no assertion criteria provided. Collection method: literature only. Allele origin: unknown. Inheritance: Autosomal recessive inheritance. Not counted in ClinVar's aggregate classification.

Juha Muilu Group; Institute for Molecular Medicine Finland (FIMM)
Classification: Likely pathogenic for Muscle eye brain disease. Review status: no assertion criteria provided. Collection method: not provided. Allele origin: unknown. Not counted in ClinVar's aggregate classification.
Comment: FinDis database variant: This variant was not found or characterized by our laboratory, data were collected from public sources: see reference
ClinVar note: Converted during submission from probable-pathogenic to Likely pathogenic.

Literature cited by the submitters: PubMed 15466003 (cited by 3 submitters); PubMed 19299310 (cited by Labcorp Genetics (formerly Invitae), Labcorp); PubMed 20816175 (cited by Labcorp Genetics (formerly Invitae), Labcorp); PubMed 21447391 (cited by Labcorp Genetics (formerly Invitae), Labcorp); PubMed 26908613 (cited by Labcorp Genetics (formerly Invitae), Labcorp); PubMed 27391550 (cited by Labcorp Genetics (formerly Invitae), Labcorp); PubMed 21361872 (cited by 3 submitters).

NM_017739.4(POMGNT1):c.1769G>A (p.Trp590Ter)

Genes: POMGNT1 (protein O-linked mannose N-acetylglucosaminyltransferase 1 (beta 1,2-); minus strand), TSPAN1 (tetraspanin 1; plus strand). Cytogenetic location: 1p34.1.
Variant type: single nucleotide variant.
Coding change: c.1769G>A on transcript NM_017739.4 (MANE Select); coding-DNA position 1769, G replaced by A.
Protein change: p.Trp590Ter; replaces tryptophan 590 with a stop codon.
Molecular consequence: nonsense.
Genome position (GRCh38, 1-based): chr1:46,189,870, C>T on the plus strand (G>A on the coding strand, the complement: POMGNT1 is on the minus strand). VCF-style: chr1-46189870-C-T. GRCh37 (hg19) VCF-style: chr1-46655542-C-T.
Other names: NM_017739.4(POMGNT1):c.1769G>A; p.Trp590Ter; c.1769G>A, p.Trp590Ter (NM_001243766.2, NM_001410783.1); c.1703G>A, p.Trp568Ter (NM_001290129.3); c.1340G>A, p.Trp447Ter (NM_001290130.2); short protein forms W590*, W568*, W447*.
Identifiers: ClinVar variation 56587 (VCV000056587.24), dbSNP rs386834019, ClinGen allele CA263954.